The following is an entry in ClinVar:

NM_000492.4(CFTR):c.2806C>T (p.Pro936Ser)

Gene: CFTR (CF transmembrane conductance regulator; plus strand). Cytogenetic location: 7q31.2.
Variant type: single nucleotide variant.
Coding change: c.2806C>T on transcript NM_000492.4 (MANE Select); coding-DNA position 2806, C replaced by T.
Protein change: p.Pro936Ser; replaces proline 936 with serine.
Molecular consequence: missense variant.
Genome position (GRCh38, 1-based): chr7:117,603,680, C>T. VCF-style: chr7-117603680-C-T. GRCh37 (hg19) VCF-style: chr7-117243734-C-T.
Other names: short protein forms P936S.
Identifiers: ClinVar variation 2624954 (VCV002624954.3), dbSNP rs780528577, ClinGen allele CA368986956.

ClinVar aggregate classification (germline): Uncertain significance. Review status: criteria provided, multiple submitters, no conflicts (2 of 4 stars). 2 submissions from 2 submitters: Uncertain significance (2). Last evaluated 2025-12-06.

Conditions:
Cystic fibrosis (CF). Also called: MUCOVISCIDOSIS. Identifiers: Orphanet 586, MedGen C0010674, MONDO:0009061, OMIM 219700. Disease mechanism: loss of function.

gnomAD v4.1: 1 of 1,614,088 alleles (0.000062%); highest among the groups gnomAD compares: South Asian, 0.0011%; no homozygotes.

Submissions (2):

Women's Health and Genetics/Laboratory Corporation of America, LabCorp
Classification: Uncertain significance. Last evaluated: 2025-12-06. Review status: criteria provided, single submitter. Criteria: LabCorp Variant Classification Summary - May 2015. Collection method: clinical testing. Allele origin: germline.

Ambry Genetics
Classification: Uncertain significance for Cystic fibrosis. Last evaluated: 2023-07-24. Review status: criteria provided, single submitter. Criteria: Ambry Variant Classification Scheme 2023. Collection method: clinical testing. Allele origin: germline.
Comment: The p.P936S variant (also known as c.2806C>T), located in coding exon 17 of the CFTR gene, results from a C to T substitution at nucleotide position 2806. The proline at codon 936 is replaced by serine, an amino acid with similar properties. This amino acid position is highly conserved in available vertebrate species. In addition, this alteration is predicted to be deleterious by in silico analysis. Since supporting evidence is limited at this time, the clinical significance of this alteration remains unclear.